The following is an entry in ClinVar:

NM_003238.6(TGFB2):c.697C>T (p.Pro233Ser)

Gene: TGFB2 (transforming growth factor beta 2; plus strand). Cytogenetic location: 1q41.
Variant type: single nucleotide variant.
Coding change: c.697C>T on transcript NM_003238.6 (MANE Select); coding-DNA position 697, C replaced by T.
Protein change: p.Pro233Ser; replaces proline 233 with serine.
Molecular consequence: missense variant. On other transcripts: non-coding transcript variant (2).
Genome position (GRCh38, 1-based): chr1:218,434,391, C>T. VCF-style: chr1-218434391-C-T. GRCh37 (hg19) VCF-style: chr1-218607733-C-T.
Other names: c.781C>T, p.Pro261Ser (NM_001135599.4); short protein forms P233S, P261S.
Identifiers: ClinVar variation 849170 (VCV000849170.13), dbSNP rs753572174, ClinGen allele CA1398585.

ClinVar aggregate classification (germline): Uncertain significance. Review status: criteria provided, multiple submitters, no conflicts (2 of 4 stars). 2 submissions from 2 submitters: Uncertain significance (2). Last evaluated 2026-01-25.

Conditions:
Loeys-Dietz syndrome 4 (LDS4). Also called: ANEURYSM, AORTIC AND CEREBRAL, WITH ARTERIAL TORTUOSITY AND SKELETAL MANIFESTATIONS; TGFB2-Related Loeys-Dietz Syndrome. Identifiers: MedGen C3553762, MONDO:0013897, OMIM 614816.
Familial thoracic aortic aneurysm and aortic dissection (TAAD). Also called: Thoracic aortic aneurysms and dissections. Identifiers: Orphanet 91387, MedGen C4707243, MONDO:0019625.

Allele frequency attached by ClinVar (database versions not stated): gnomAD exomes 0.00002 and 0.00004; ExAC 0.00004.
gnomAD v4.1: 12 of 1,613,934 alleles (0.00074%); highest among the groups gnomAD compares: Admixed American, 0.02%; no homozygotes.

Submissions (2):

Ambry Genetics
Classification: Uncertain significance for Familial thoracic aortic aneurysm and aortic dissection. Last evaluated: 2026-01-25. Review status: criteria provided, single submitter. Criteria: Ambry Variant Classification Scheme 2023. Collection method: clinical testing. Allele origin: germline.
Comment: The p.P233S variant (also known as c.697C>T), located in coding exon 4 of the TGFB2 gene, results from a C to T substitution at nucleotide position 697. The proline at codon 233 is replaced by serine, an amino acid with similar properties. This amino acid position is conserved. In addition, the in silico prediction for this alteration is inconclusive. Based on the available evidence, the clinical significance of this variant remains unclear.

Labcorp Genetics (formerly Invitae), Labcorp
Classification: Uncertain significance for Loeys-Dietz syndrome 4. Last evaluated: 2024-10-28. Review status: criteria provided, single submitter. Criteria: Invitae Variant Classification Sherloc (09022015). Collection method: clinical testing. Allele origin: germline.
Comment: This sequence change replaces proline, which is neutral and non-polar, with serine, which is neutral and polar, at codon 233 of the TGFB2 protein (p.Pro233Ser). This variant is present in population databases (rs753572174, gnomAD 0.03%). This variant has not been reported in the literature in individuals affected with TGFB2-related conditions. ClinVar contains an entry for this variant (Variation ID: 849170). Invitae Evidence Modeling of protein sequence and biophysical properties (such as structural, functional, and spatial information, amino acid conservation, physicochemical variation, residue mobility, and thermodynamic stability) indicates that this missense variant is not expected to disrupt TGFB2 protein function with a negative predictive value of 80%. In summary, the available evidence is currently insufficient to determine the role of this variant in disease. Therefore, it has been classified as a Variant of Uncertain Significance.